The following is an entry in ClinVar:

ClinVar aggregate classification (germline): Uncertain significance (0 of 4 stars; one submission).

Allele frequency attached by ClinVar (database versions not stated): gnomAD exomes 0.00001 and 0.00003; TOPMed 0.00001; ExAC 0.00002; gnomAD 0.00002.

Submission:

Department of Pathology and Laboratory Medicine, Sinai Health System
Classification: Uncertain significance. Review status: no assertion criteria provided. Collection method: clinical testing. Allele origin: unknown. Affected: yes. Study: The Canadian Open Genetics Repository (COGR).
Comment: The SELENBP1 p.W327R variant was not identified in the literature nor was it identified in ClinVar, Cosmic, or LOVD 3.0. The variant was identified in dbSNP (ID: rs771038258) and in control databases in 2 of 251296 chromosomes at a frequency of 0.000008 (Genome Aggregation Database March 6, 2019, v2.1.1). The variant was observed in the European (non-Finnish) population in 2 of 113658 chromosomes (freq: 0.000018), but was not observed in the African, Latino, Ashkenazi Jewish, East Asian, European (Finnish), Other, or South Asian populations. The p.Trp327 residue is conserved in mammals but not in more distantly related organisms, and four out of five computational analyses (PolyPhen-2, SIFT, AlignGVGD, BLOSUM, MutationTaster) suggest that the variant may impact the protein; however, this information is not predictive enough to assume pathogenicity. The variant occurs outside of the splicing consensus sequence and three of four in silico or computational prediction software programs (SpliceSiteFinder, MaxEntScan, NNSPLICE, GeneSplicer) predict a greater than 10% difference in splicing. However, this information is not predictive enough to assume pathogenicity. In summary, based on the above information the clinical significance of this variant cannot be determined with certainty at this time. This variant is classified as a variant of uncertain significance.

NM_003944.4(SELENBP1):c.853T>C (p.Trp285Arg)

Gene: SELENBP1 (selenium binding protein 1; minus strand). Cytogenetic location: 1q21.3.
Variant type: single nucleotide variant.
Coding change: c.853T>C on transcript NM_003944.4 (MANE Select); coding-DNA position 853, T replaced by C.
Protein change: p.Trp285Arg; replaces tryptophan 285 with arginine.
Molecular consequence: missense variant.
Genome position (GRCh38, 1-based): chr1:151,365,837, A>G on the plus strand (T>C on the coding strand, the complement: SELENBP1 is on the minus strand). VCF-style: chr1-151365837-A-G. GRCh37 (hg19) VCF-style: chr1-151338313-A-G.
Other names: c.667T>C, p.Trp223Arg (NM_001258288.2); c.979T>C, p.Trp327Arg (NM_001258289.2); short protein forms W223R, W285R, W327R.
Identifiers: ClinVar variation 1050784 (VCV001050784.1), dbSNP rs771038258, ClinGen allele CA1090189.